The following is an entry in ClinVar:

NM_001378902.1(ROS1):c.3894T>C (p.Ser1298=)

Gene: ROS1 (ROS proto-oncogene 1, receptor tyrosine kinase; minus strand). Cytogenetic location: 6q22.1.
Variant type: single nucleotide variant.
Coding change: c.3894T>C on transcript NM_001378902.1 (MANE Select); coding-DNA position 3894, T replaced by C.
Protein change: p.Ser1298=; no amino-acid change (serine 1298 retained).
Molecular consequence: synonymous variant.
Genome position (GRCh38, 1-based): chr6:117,356,861, A>G on the plus strand (T>C on the coding strand, the complement: ROS1 is on the minus strand). VCF-style: chr6-117356861-A-G. GRCh37 (hg19) VCF-style: chr6-117678024-A-G.
Other names: c.3897T>C, p.Ser1299= (NM_001378891.1); c.3909T>C, p.Ser1303= (NM_002944.3).
Identifiers: ClinVar variation 730119 (VCV000730119.27), dbSNP rs148950746, ClinGen allele CA3974824.
Genomic context (GRCh38, chr6:117,356,861, plus strand): 5'-TTTGTTTTGTTGGTTTGTAGCTGTGGGTTGCAGAATTCGGTGCAAGGTGTGACTGATAAT[A>G]CTGTAGTAGAACATCTGGTAGCCAAAATTGGAAACTTCTGTCCAATACAAGCGACTATAG-3'
Protein context (NP_001365831.1, residues 1288-1308): SNFGYQMFYY[Ser1298=]IISHTLHRIL

ClinVar aggregate classification (germline): Benign/Likely benign. Review status: criteria provided, multiple submitters, no conflicts (2 of 4 stars). 2 submissions from 2 submitters: Benign (1); Likely benign (1). Last evaluated 2025-08-01.

Allele frequency attached by ClinVar (database versions not stated): gnomAD exomes 0.00022 and 0.00048; ExAC 0.00058; 1000 Genomes Project 0.00180; 1000 Genomes Project 30x 0.00219; gnomAD 0.00227 and 0.00246; TOPMed 0.00234; ESP Exome Variant Server 0.00269.
gnomAD v4.1: 670 of 1,614,148 alleles (0.042%); highest among the groups gnomAD compares: African/African-American, 0.81%; 2 homozygotes.

Submissions (2):

CeGaT Center for Human Genetics Tuebingen
Classification: Likely benign. Last evaluated: 2025-08-01. Review status: criteria provided, single submitter. Criteria: CeGaT Center For Human Genetics Tuebingen Variant Classification Criteria Version 2. Collection method: clinical testing. Allele origin: germline. Affected: yes. Observed: 2 variant alleles.
Comment: ROS1: BP4, BP7

Labcorp Genetics (formerly Invitae), Labcorp
Classification: Benign. Last evaluated: 2018-01-08. Review status: criteria provided, single submitter. Criteria: Invitae Variant Classification Sherloc (09022015). Collection method: clinical testing. Allele origin: germline.